The following is an entry in ClinVar:

NM_001792.5(CDH2):c.1447A>T (p.Thr483Ser)

Gene: CDH2 (cadherin 2; minus strand). Cytogenetic location: 18q12.1.
Variant type: single nucleotide variant.
Coding change: c.1447A>T on transcript NM_001792.5 (MANE Select); coding-DNA position 1447, A replaced by T.
Protein change: p.Thr483Ser; replaces threonine 483 with serine.
Molecular consequence: missense variant.
Genome position (GRCh38, 1-based): chr18:27,990,248, T>A on the plus strand (A>T on the coding strand, the complement: CDH2 is on the minus strand). VCF-style: chr18-27990248-T-A. GRCh37 (hg19) VCF-style: chr18-25570212-T-A.
Other names: c.1354A>T, p.Thr452Ser (NM_001308176.2); short protein forms T483S, T452S.
Identifiers: ClinVar variation 3998907 (VCV003998907.1).

ClinVar aggregate classification (germline): Uncertain significance (1 of 4 stars; one submission).

Conditions:
Inborn genetic diseases. Identifiers: MedGen C0950123, MeSH D030342.

Submission:

Ambry Genetics
Classification: Uncertain significance for Inborn genetic diseases. Last evaluated: 2025-05-24. Review status: criteria provided, single submitter. Criteria: Ambry Variant Classification Scheme 2023. Collection method: clinical testing. Allele origin: germline.
Comment: The p.T483S variant (also known as c.1447A>T), located in coding exon 10 of the CDH2 gene, results from an A to T substitution at nucleotide position 1447. The threonine at codon 483 is replaced by serine, an amino acid with similar properties. This amino acid position is conserved. In addition, the in silico prediction for this alteration is inconclusive. Based on the available evidence, the clinical significance of this variant remains unclear.